The following is an entry in ClinVar:

ClinVar aggregate classification (germline): Uncertain significance. Review status: criteria provided, multiple submitters, no conflicts (2 of 4 stars). 3 submissions from 3 submitters: Uncertain significance (3). Last evaluated 2023-12-21.

Conditions:
Inborn genetic diseases. Identifiers: MedGen C0950123, MeSH D030342.
ALG11-congenital disorder of glycosylation. Also called: CONGENITAL DISORDER OF GLYCOSYLATION, TYPE Ip; ALG11-CDG. Identifiers: Orphanet 280071, MedGen C3150913, MONDO:0013349, OMIM 613661.

Allele frequency attached by ClinVar (database versions not stated): ExAC 0.00001; gnomAD exomes 0.00002; TOPMed 0.00002.

Submissions (3):

Ambry Genetics
Classification: Uncertain significance for Inborn genetic diseases. Last evaluated: 2023-12-21. Review status: criteria provided, single submitter. Criteria: Ambry Variant Classification Scheme 2023. Collection method: clinical testing. Allele origin: germline.

Labcorp Genetics (formerly Invitae), Labcorp
Classification: Uncertain significance for ALG11-congenital disorder of glycosylation. Last evaluated: 2020-09-24. Review status: criteria provided, single submitter. Criteria: Invitae Variant Classification Sherloc (09022015). Collection method: clinical testing. Allele origin: germline.
Comment: In summary, the available evidence is currently insufficient to determine the role of this variant in disease. Therefore, it has been classified as a Variant of Uncertain Significance. Algorithms developed to predict the effect of missense changes on protein structure and function (SIFT, PolyPhen-2, Align-GVGD) all suggest that this variant is likely to be disruptive, but these predictions have not been confirmed by published functional studies and their clinical significance is uncertain. This variant has not been reported in the literature in individuals with ALG11-related disease. This variant is present in population databases (rs748117240, ExAC 0.009%). This sequence change replaces aspartic acid with glutamic acid at codon 174 of the ALG11 protein (p.Asp174Glu). The aspartic acid residue is highly conserved and there is a small physicochemical difference between aspartic acid and glutamic acid.

Breakthrough Genomics
Classification: Uncertain significance. Review status: criteria provided, single submitter. Criteria: ACMG Guidelines, 2015. Collection method: not provided. Allele origin: germline. Inheritance: Autosomal recessive inheritance. Affected: yes.

NM_001004127.3(ALG11):c.522T>G (p.Asp174Glu)

Gene: ALG11 (ALG11 alpha-1,2-mannosyltransferase; plus strand). Cytogenetic location: 13q14.3.
Variant type: single nucleotide variant.
Coding change: c.522T>G on transcript NM_001004127.3 (MANE Select); coding-DNA position 522, T replaced by G.
Protein change: p.Asp174Glu; replaces aspartic acid 174 with glutamic acid.
Molecular consequence: missense variant.
Genome position (GRCh38, 1-based): chr13:52,024,252, T>G. VCF-style: chr13-52024252-T-G. GRCh37 (hg19) VCF-style: chr13-52598388-T-G.
Other names: c.522T>G (NM_001004127.2); short protein forms D174E.
Identifiers: ClinVar variation 1061831 (VCV001061831.9), dbSNP rs748117240, ClinGen allele CA6989925.